The following is an entry in ClinVar:

NM_001079668.3(NKX2-1):c.613G>T (p.Glu205Ter)

Genes: NKX2-1 (NK2 homeobox 1; minus strand), SFTA3 (surfactant associated 3; minus strand). Cytogenetic location: 14q13.3.
Variant type: single nucleotide variant.
Coding change: c.613G>T on transcript NM_001079668.3 (MANE Select); coding-DNA position 613, G replaced by T.
Protein change: p.Glu205Ter; replaces glutamic acid 205 with a stop codon.
Molecular consequence: nonsense.
Genome position (GRCh38, 1-based): chr14:36,517,871, C>A on the plus strand (G>T on the coding strand, the complement: NKX2-1 is on the minus strand). VCF-style: chr14-36517871-C-A. GRCh37 (hg19) VCF-style: chr14-36987076-C-A.
Other names: c.523G>T, p.Glu175Ter (NM_003317.4); short protein forms E175*, E205*.
Identifiers: ClinVar variation 8979 (VCV000008979.12), dbSNP rs137852693, ClinGen allele CA120027.

ClinVar aggregate classification (germline): Pathogenic/Likely pathogenic. Review status: criteria provided, multiple submitters, no conflicts (2 of 4 stars). 6 submissions from 6 submitters: Pathogenic (4); Likely pathogenic (1). 1 of the submissions does not count toward it. Last evaluated 2022-05-09.

Conditions:
Inborn genetic diseases. Identifiers: MedGen C0950123, MeSH D030342.
Brain-lung-thyroid syndrome. Also called: Choreoathetosis, congenital hypothyroidism, and neonatal respiratory distress; Choreoathetosis, Congenital Hypothyroidism, and Neonatal Respiratory Distress Syndrome (Brain-Lung-Thyroid Syndrome); CHOREOATHETOSIS AND CONGENITAL HYPOTHYROIDISM WITH PULMONARY DYSFUNCTION. Identifiers: Orphanet 209905, MedGen C1970269, MONDO:0012593, OMIM 610978.
Benign hereditary chorea (BHC). Also called: Benign Hereditary Chorea (BHC); HEREDITARY PROGRESSIVE CHOREA WITHOUT DEMENTIA. Identifiers: Orphanet 1429, MedGen C0393584, MONDO:0021011, OMIM 118700.

Submissions (6):

Labcorp Genetics (formerly Invitae), Labcorp
Classification: Pathogenic. Last evaluated: 2022-05-09. Review status: criteria provided, single submitter. Criteria: Invitae Variant Classification Sherloc (09022015). Collection method: clinical testing. Allele origin: germline.
Comment: ClinVar contains an entry for this variant (Variation ID: 8979). This variant is also known as E175X. This premature translational stop signal has been observed in individual(s) with NKX2-1-related conditions (PMID: 15955952). It has also been observed to segregate with disease in related individuals. This variant is not present in population databases (gnomAD no frequency). This sequence change creates a premature translational stop signal (p.Glu205*) in the NKX2-1 gene. While this is not anticipated to result in nonsense mediated decay, it is expected to disrupt the last 197 amino acid(s) of the NKX2-1 protein. For these reasons, this variant has been classified as Pathogenic. This variant disrupts a region of the NKX2-1 protein in which other variant(s) (p.Gln356*) have been determined to be pathogenic (Invitae). This suggests that this is a clinically significant region of the protein, and that variants that disrupt it are likely to be disease-causing.

Victorian Clinical Genetics Services, Murdoch Childrens Research Institute
Classification: Pathogenic for Benign hereditary chorea. Last evaluated: 2021-05-06. Review status: criteria provided, single submitter. Criteria: ACMG Guidelines, 2015. Collection method: clinical testing. Allele origin: germline. Inheritance: Autosomal dominant inheritance. Affected: yes.
Comment: Based on the classification scheme VCGS_Germline_v1.3.4, this variant is classified as Pathogenic. Following criteria are met: 0103 - Dominant negative and loss of function are known mechanisms of disease in this gene and are associated with chorea, hereditary benign (MIM#118700) and choreoathetosis, hypothyroidism, and neonatal respiratory distress (MIM#610978). Variants predicted to undergo nonsense mediated decay (NMD) have a loss of function effect on protein, while truncating variants that escape NMD have a dominant negative effect (Decipher, PMID: 23379327). Missense variants have displayed both loss of function and dominant negative mechanisms (PMID: 24714694, PMID: 29882472). (I) 0107 - This gene is associated with autosomal dominant disease. (I) 0204 - Variant is predicted to result in a truncated protein (premature termination codon is NOT located at least 54 nucleotides upstream of the final exon-exon junction) with at least 1/3 of the protein sequence affected. (SP) 0251 - This variant is heterozygous. (I) 0301 - Variant is absent from gnomAD (both v2 and v3). (SP) 0600 - Variant results in the truncation of part of the annotated homeodomain (PDB). (I) 0701 - Other truncating variants comparable to the one identified in this case have very strong previous evidence for pathogenicity (Decipher). (SP) 0803 - This variant has limited previous evidence of pathogenicity in unrelated individuals. This variant has been reported as likely pathogenic in a patient with benign hereditary chorea (BHC) (ClinVar), and segregated within a family with BHC and congenital hypothyroidism (PMID: 15955952). (SP) Legend: (SP) - Supporting pathogenic, (I) - Information, (SB) - Supporting benign

Molecular Diagnostics Lab, Nemours Children's Health, Delaware
Classification: Pathogenic for Brain-lung-thyroid syndrome. Last evaluated: 2020-02-27. Review status: criteria provided, single submitter. Criteria: ACMG Guidelines, 2015. Collection method: clinical testing. Allele origin: maternal, unknown. Inheritance: Autosomal dominant inheritance. Affected: yes. Observed: 3 heterozygotes. Clinical features observed: Ataxia (HP:0001251), Chorea (HP:0002072). Segregation with disease observed.

Institute of Human Genetics, University of Leipzig Medical Center
Classification: Likely pathogenic for Benign hereditary chorea. Last evaluated: 2019-01-01. Review status: criteria provided, single submitter. Criteria: ACMG Guidelines, 2015. Collection method: clinical testing. Allele origin: unknown. Affected: yes.

Ambry Genetics
Classification: Pathogenic for Inborn genetic diseases. Last evaluated: 2018-04-10. Review status: criteria provided, single submitter. Criteria: Ambry exome assertion method (8-5-2015). Collection method: clinical testing. Allele origin: germline. Affected: yes. Observed: 1 variant allele.

OMIM
Classification: Pathogenic for CHOREOATHETOSIS AND CONGENITAL HYPOTHYROIDISM WITH PULMONARY DYSFUNCTION. Last evaluated: 2005-06-14. Review status: no assertion criteria provided. Collection method: literature only. Allele origin: germline. Not counted in ClinVar's aggregate classification.

Literature cited by the submitters: PubMed 15955952 (cited by 5 submitters); PubMed 23379327 (cited by Victorian Clinical Genetics Services, Murdoch Childrens Research Institute); PubMed 24714694 (cited by Victorian Clinical Genetics Services, Murdoch Childrens Research Institute); PubMed 29882472 (cited by Victorian Clinical Genetics Services, Murdoch Childrens Research Institute).